The following is an entry in ClinVar:

NM_001042492.3(NF1):c.1205C>G (p.Ser402Ter)

Gene: NF1 (neurofibromin 1; plus strand). Cytogenetic location: 17q11.2.
Variant type: single nucleotide variant.
Coding change: c.1205C>G on transcript NM_001042492.3 (MANE Select); coding-DNA position 1205, C replaced by G.
Protein change: p.Ser402Ter; replaces serine 402 with a stop codon.
Molecular consequence: nonsense.
Genome position (GRCh38, 1-based): chr17:31,201,430, C>G. VCF-style: chr17-31201430-C-G. GRCh37 (hg19) VCF-style: chr17-29528448-C-G.
Other names: c.1205C>G, p.Ser402Ter (NM_000267.4, NM_001128147.3); short protein forms S402*.
Identifiers: ClinVar variation 4733291 (VCV004733291.1).

ClinVar aggregate classification (germline): Pathogenic (1 of 4 stars; one submission).

Conditions:
Neurofibromatosis, type 1 (NF1). Also called: VON RECKLINGHAUSEN DISEASE; Peripheral type neurofibromatosis; NEUROFIBROMATOSIS, TYPE I, SOMATIC; Neurofibromatosis, type I. Identifiers: Orphanet 636, MedGen C0027831, MONDO:0018975, OMIM 162200. Disease mechanism: loss of function.

Submission:

Labcorp Genetics (formerly Invitae), Labcorp
Classification: Pathogenic for Neurofibromatosis, type 1. Last evaluated: 2025-12-15. Review status: criteria provided, single submitter. Criteria: Invitae Variant Classification Sherloc (09022015). Collection method: clinical testing. Allele origin: germline.
Comment: This sequence change creates a premature translational stop signal (p.Ser402*) in the NF1 gene. It is expected to result in an absent or disrupted protein product. Loss-of-function variants in NF1 are known to be pathogenic (PMID: 10712197, 23913538). This variant is not present in population databases (gnomAD no frequency). This variant has not been reported in the literature in individuals affected with NF1-related conditions. For these reasons, this variant has been classified as Pathogenic.

Literature cited by the submitters: PubMed 10712197; PubMed 23913538.